The following is an entry in ClinVar:

NM_001136505.2(TERB1):c.2116C>T (p.Arg706Trp)

Gene: TERB1 (telomere repeat binding bouquet formation protein 1; minus strand). Cytogenetic location: 16q22.1.
Variant type: single nucleotide variant.
Coding change: c.2116C>T on transcript NM_001136505.2 (MANE Select); coding-DNA position 2116, C replaced by T.
Protein change: p.Arg706Trp; replaces arginine 706 with tryptophan.
Molecular consequence: missense variant.
Genome position (GRCh38, 1-based): chr16:66,755,044, G>A on the plus strand (C>T on the coding strand, the complement: TERB1 is on the minus strand). VCF-style: chr16-66755044-G-A. GRCh37 (hg19) VCF-style: chr16-66788947-G-A.
Other names: short protein forms R706W.
Identifiers: ClinVar variation 4533697 (VCV004533697.6).

ClinVar aggregate classification (germline): Likely benign (1 of 4 stars; one submission).

gnomAD v4.1: 1,317 of 1,551,636 alleles (0.085%); highest among the groups gnomAD compares: South Asian, 0.34%; 4 homozygotes.

Submission:

CeGaT Center for Human Genetics Tuebingen
Classification: Likely benign. Last evaluated: 2025-10-01. Review status: criteria provided, single submitter. Criteria: CeGaT Center For Human Genetics Tuebingen Variant Classification Criteria Version 2. Collection method: clinical testing. Allele origin: germline. Affected: yes. Observed: 1 variant allele.
Comment: TERB1: BP4